The following is an entry in ClinVar:

NM_001365276.2(TNXB):c.1859C>A (p.Thr620Asn)

Gene: TNXB (tenascin XB; minus strand). Cytogenetic location: 6p21.33.
Variant type: single nucleotide variant.
Coding change: c.1859C>A on transcript NM_001365276.2 (MANE Select); coding-DNA position 1859, C replaced by A.
Protein change: p.Thr620Asn; replaces threonine 620 with asparagine.
Molecular consequence: missense variant.
Genome position (GRCh38, 1-based): chr6:32,095,994, G>T on the plus strand (C>A on the coding strand, the complement: TNXB is on the minus strand). VCF-style: chr6-32095994-G-T. GRCh37 (hg19) VCF-style: chr6-32063771-G-T.
Other names: c.1859C>A, p.Thr620Asn (NM_019105.8); short protein forms T620N.
Identifiers: ClinVar variation 1313185 (VCV001313185.2), dbSNP rs1248549689, ClinGen allele CA363476461.
Genomic context (GRCh38, chr6:32,095,994, plus strand): 5'-GGGTCGCACAGGCAGCGCCCTTCCTCACAGCGGCCCCTCCCGTGGCAGTTGGAGGGGCAG[G>T]TGCGGATGCTGCAGTCCTCACTCACGTAGCCTTCCCAACAGATGCACACACCGTCCTGGC-3'
Protein context (NP_001352205.1, residues 610-630): GYVSEDCSIR[Thr620Asn]CPSNCHGRGR

ClinVar aggregate classification (germline): Uncertain significance (1 of 4 stars; one submission).

Allele frequency attached by ClinVar (database versions not stated): TOPMed 0.00001.

Submission:

GeneDx
Classification: Uncertain significance. Last evaluated: 2020-09-10. Review status: criteria provided, single submitter. Criteria: GeneDx Variant Classification Process June 2021. Collection method: clinical testing. Allele origin: germline. Affected: yes.
Comment: Has not been previously published as pathogenic or benign to our knowledge; Not observed in large population cohorts (Lek et al., 2016); In silico analysis supports that this missense variant has a deleterious effect on protein structure/function